The following is an entry in ClinVar:

ClinVar aggregate classification (germline): Pathogenic (1 of 4 stars; one submission).

Submission:

Labcorp Genetics (formerly Invitae), Labcorp
Classification: Pathogenic. Last evaluated: 2023-04-07. Review status: criteria provided, single submitter. Criteria: Invitae Variant Classification Sherloc (09022015). Collection method: clinical testing. Allele origin: germline.
Comment: For these reasons, this variant has been classified as Pathogenic. This sequence change creates a premature translational stop signal (p.Gln910*) in the ABCA12 gene. It is expected to result in an absent or disrupted protein product. Loss-of-function variants in ABCA12 are known to be pathogenic (PMID: 20672373). This variant is not present in population databases (gnomAD no frequency). This variant has not been reported in the literature in individuals affected with ABCA12-related conditions.

Literature cited by the submitters: PubMed 20672373.

NM_173076.3(ABCA12):c.2728C>T (p.Gln910Ter)

Gene: ABCA12 (ATP binding cassette subfamily A member 12; minus strand). Cytogenetic location: 2q35.
Variant type: single nucleotide variant.
Coding change: c.2728C>T on transcript NM_173076.3 (MANE Select); coding-DNA position 2728, C replaced by T.
Protein change: p.Gln910Ter; replaces glutamine 910 with a stop codon.
Molecular consequence: nonsense. On other transcripts: non-coding transcript variant (1).
Genome position (GRCh38, 1-based): chr2:215,001,693, G>A on the plus strand (C>T on the coding strand, the complement: ABCA12 is on the minus strand). VCF-style: chr2-215001693-G-A. GRCh37 (hg19) VCF-style: chr2-215866417-G-A.
Other names: c.1774C>T, p.Gln592Ter (NM_015657.4); short protein forms Q910*, Q592*.
Identifiers: ClinVar variation 2853180 (VCV002853180.3), dbSNP rs2469289666, ClinGen allele CA350478332.